The following is an entry in ClinVar:

NM_032208.3(ANTXR1):c.561+2_561+5dup

Gene: ANTXR1 (ANTXR cell adhesion molecule 1; plus strand). Cytogenetic location: 2p13.3.
Variant type: Duplication.
Coding change: c.561+2_561+5dup on transcript NM_032208.3 (MANE Select); the canonical splice donor site of the intron after coding-DNA position 561 through 5 bases into the intron after coding-DNA position 561, 4 bases duplicated (TATG; older notation c.561+2_561+5dupTATG).
Molecular consequence: splice donor variant.
Genome position (GRCh38, 1-based): chr2:69,075,660-69,075,663, TATG duplicated; duplicating any 4 consecutive bases within chr2:69,075,659-69,075,663 gives the same sequence; the c. name uses the placement nearest the transcript's 3' end. VCF-style (leftmost placement, unchanged base first): chr2-69075658-G-GGTAT. GRCh37 (hg19) VCF-style: chr2-69302790-G-GGTAT.
Other names: c.561+2_561+5dup (NM_053034.2, NM_018153.3).
Identifiers: ClinVar variation 1972005 (VCV001972005.5), dbSNP rs111394607, ClinGen allele CA1692920.

ClinVar aggregate classification (germline): Uncertain significance (1 of 4 stars; one submission).

Submission:

Labcorp Genetics (formerly Invitae), Labcorp
Classification: Uncertain significance. Last evaluated: 2022-06-19. Review status: criteria provided, single submitter. Criteria: Invitae Variant Classification Sherloc (09022015). Collection method: clinical testing. Allele origin: germline.
Comment: In summary, the available evidence is currently insufficient to determine the role of this variant in disease. Therefore, it has been classified as a Variant of Uncertain Significance. Variants that disrupt the consensus splice site are a relatively common cause of aberrant splicing (PMID: 17576681, 9536098). Algorithms developed to predict the effect of sequence changes on RNA splicing suggest that this variant is not likely to affect RNA splicing. This variant has not been reported in the literature in individuals affected with ANTXR1-related conditions. This variant is present in population databases (rs111394607, gnomAD no frequency). This sequence change falls in intron 7 of the ANTXR1 gene. It does not directly change the encoded amino acid sequence of the ANTXR1 protein. It affects a nucleotide within the consensus splice site.

Literature cited by the submitters: PubMed 17576681; PubMed 9536098.